The following is an entry in ClinVar:

NM_001384732.1(CPLANE1):c.8521C>T (p.Pro2841Ser)

Gene: CPLANE1 (ciliogenesis and planar polarity effector complex subunit 1; minus strand). Cytogenetic location: 5p13.2.
Variant type: single nucleotide variant.
Coding change: c.8521C>T on transcript NM_001384732.1 (MANE Select); coding-DNA position 8521, C replaced by T.
Protein change: p.Pro2841Ser; replaces proline 2841 with serine.
Molecular consequence: missense variant.
Genome position (GRCh38, 1-based): chr5:37,142,421, G>A on the plus strand (C>T on the coding strand, the complement: CPLANE1 is on the minus strand). VCF-style: chr5-37142421-G-A. GRCh37 (hg19) VCF-style: chr5-37142523-G-A.
Other names: c.8359C>T, p.Pro2787Ser (NM_023073.4); short protein forms P2787S, P2841S.
Identifiers: ClinVar variation 1708385 (VCV001708385.2), dbSNP rs2547070714, ClinGen allele CA359472764.

ClinVar aggregate classification (germline): Uncertain significance (1 of 4 stars; one submission).

Allele frequency attached by ClinVar (database versions not stated): gnomAD exomes below 0.00001.
gnomAD v4.1: 1 of 1,608,910 alleles (0.000062%); highest among the groups gnomAD compares: South Asian, 0.0011%; no homozygotes.

Submission:

Centre of Medical Genetics, University Hospital Muenster
Classification: Uncertain significance. Last evaluated: 2022-01-31. Review status: criteria provided, single submitter. Criteria: ACMG Guidelines, 2015. Collection method: clinical testing. Allele origin: unknown. Affected: yes. Observed: 1 variant allele, 1 heterozygote.
Comment: ACMG categories: PM2